The following is an entry in ClinVar:

NM_014159.7(SETD2):c.3719C>A (p.Ser1240Tyr)

Gene: SETD2 (SET domain containing 2, histone lysine methyltransferase; minus strand). Cytogenetic location: 3p21.31.
Variant type: single nucleotide variant.
Coding change: c.3719C>A on transcript NM_014159.7 (MANE Select); coding-DNA position 3719, C replaced by A.
Protein change: p.Ser1240Tyr; replaces serine 1240 with tyrosine.
Molecular consequence: missense variant. On other transcripts: non-coding transcript variant (1).
Genome position (GRCh38, 1-based): chr3:47,120,917, G>T on the plus strand (C>A on the coding strand, the complement: SETD2 is on the minus strand). VCF-style: chr3-47120917-G-T. GRCh37 (hg19) VCF-style: chr3-47162407-G-T.
Other names: c.3587C>A, p.Ser1196Tyr (NM_001349370.3); short protein forms S1196Y, S1240Y.
Identifiers: ClinVar variation 2229964 (VCV002229964.2), dbSNP rs2107747463, ClinGen allele CA352521435.

ClinVar aggregate classification (germline): Uncertain significance (1 of 4 stars; one submission).

Conditions:
Inborn genetic diseases. Identifiers: MedGen C0950123, MeSH D030342.

gnomAD v4.1: 4 of 1,614,232 alleles (0.00025%); highest among the groups gnomAD compares: Non-Finnish European, 0.00034%; no homozygotes.

Submission:

Ambry Genetics
Classification: Uncertain significance for Inborn genetic diseases. Last evaluated: 2021-03-19. Review status: criteria provided, single submitter. Criteria: Ambry Variant Classification Scheme 2023. Collection method: clinical testing. Allele origin: germline.
Comment: The c.3719C>A (p.S1240Y) alteration is located in exon 3 (coding exon 3) of the SETD2 gene. This alteration results from a C to A substitution at nucleotide position 3719, causing the serine (S) at amino acid position 1240 to be replaced by a tyrosine (Y). The p.S1240Y alteration is predicted to be tolerated by in silico analysis. Based on insufficient or conflicting evidence, the clinical significance of this alteration remains unclear.